The following is an entry in ClinVar:

ClinVar aggregate classification (germline): Uncertain significance (1 of 4 stars; one submission).

Allele frequency attached by ClinVar (database versions not stated): TOPMed below 0.00001.

Submission:

Labcorp Genetics (formerly Invitae), Labcorp
Classification: Uncertain significance. Last evaluated: 2023-11-27. Review status: criteria provided, single submitter. Criteria: Invitae Variant Classification Sherloc (09022015). Collection method: clinical testing. Allele origin: germline.
Comment: This sequence change replaces proline, which is neutral and non-polar, with serine, which is neutral and polar, at codon 533 of the HMCN1 protein (p.Pro533Ser). This variant is not present in population databases (gnomAD no frequency). This variant has not been reported in the literature in individuals affected with HMCN1-related conditions. ClinVar contains an entry for this variant (Variation ID: 1899365). An algorithm developed to predict the effect of missense changes on protein structure and function (PolyPhen-2) suggests that this variant is likely to be disruptive. In summary, the available evidence is currently insufficient to determine the role of this variant in disease. Therefore, it has been classified as a Variant of Uncertain Significance.

NM_031935.3(HMCN1):c.1597C>T (p.Pro533Ser)

Gene: HMCN1 (hemicentin 1; plus strand). Cytogenetic location: 1q31.1.
Variant type: single nucleotide variant.
Coding change: c.1597C>T on transcript NM_031935.3 (MANE Select); coding-DNA position 1597, C replaced by T.
Protein change: p.Pro533Ser; replaces proline 533 with serine.
Molecular consequence: missense variant.
Genome position (GRCh38, 1-based): chr1:185,933,593, C>T. VCF-style: chr1-185933593-C-T. GRCh37 (hg19) VCF-style: chr1-185902725-C-T.
Other names: short protein forms P533S.
Identifiers: ClinVar variation 1899365 (VCV001899365.5), dbSNP rs1667662925, ClinGen allele CA343866784.
Genomic context (GRCh38, chr1:185,933,593, plus strand): 5'-TTTTGATTTCACACAGAGCCCCCTCCGGTCATCCAAGTGCCTAACAATGTTACAGTCACT[C>T]CTGGAGAGAGAGCAGTTTTAACATGTCTCATCATCAGTGCGGTGGATTACAATCTAACCT-3'
Protein context (NP_114141.2, residues 523-543): IQVPNNVTVT[Pro533Ser]GERAVLTCLI